The following is an entry in ClinVar:

NM_001384474.1(LOXHD1):c.3122del (p.Asn1041fs)

Gene: LOXHD1 (lipoxygenase homology PLAT domains 1; minus strand). Cytogenetic location: 18q21.1.
Variant type: Deletion.
Coding change: c.3122del on transcript NM_001384474.1 (MANE Select); coding-DNA position 3122, one base deleted (A; older notation c.3122delA).
Protein change: p.Asn1041fs; shifts the reading frame from asparagine 1041.
Molecular consequence: frameshift variant.
Genome position (GRCh38, 1-based): chr18:46,559,542, T deleted on the plus strand (A on the coding strand, the reverse complement: LOXHD1 is on the minus strand); the first of 2 consecutive T bases (chr18:46,559,542-46,559,543); deleting either gives the same sequence. VCF-style (leftmost placement, unchanged base first): chr18-46559541-GT-G. GRCh37 (hg19) VCF-style: chr18-44139504-GT-G.
Other names: c.3122del, p.Asn1041fs (NM_144612.7); short protein forms N1041fs.
Identifiers: ClinVar variation 4070154 (VCV004070154.2).
Genomic context (GRCh38, chr18:46,559,541, plus strand): 5'-CTTCTTCAGGGGTCGTTCGCCCGTGTCTCCATACTCCTCGCCGTAGATGGTTAGGTAGAC[GT>G]TAGCATCAGTGCCGGCCTTGGGCACATTCCCCGTGACCACCTGAACCTCATAGGTGTTTC-3'

ClinVar aggregate classification (germline): Likely pathogenic (1 of 4 stars; one submission).

Conditions:
Autosomal recessive nonsyndromic hearing loss 77. Identifiers: Orphanet 90636, MedGen C2746083, MONDO:0013119, OMIM 613079.

Submission:

Natera, Inc.
Classification: Likely pathogenic for Autosomal recessive deafness type 77. Last evaluated: 2025-01-09. Review status: criteria provided, single submitter. Criteria: Natera Variant Classification Schema (03/2026). Collection method: clinical testing. Allele origin: germline.
Comment: The c.3122del variant in LOXHD1 is a frameshift variant predicted to shift the reading frame beginning at codon 1041 and leads to a stop codon 4 codons downstream. This variant is expected to result in nonsense mediated decay, truncation, or a dysfunctional protein product. This variant is rare in the general population with a frequency below the threshold expected for the associated phenotype(s). Given the available evidence, this variant is classified as Likely Pathogenic.